The following is an entry in ClinVar:

NM_018714.3(COG1):c.914G>A (p.Gly305Glu)

Genes: COG1 (component of oligomeric golgi complex 1; plus strand), LOC126862634 (CDK7 strongly-dependent group 2 enhancer GRCh37_chr17:71195948-71197147; plus strand). Cytogenetic location: 17q25.1.
Variant type: single nucleotide variant.
Coding change: c.914G>A on transcript NM_018714.3 (MANE Select); coding-DNA position 914, G replaced by A.
Protein change: p.Gly305Glu; replaces glycine 305 with glutamic acid.
Molecular consequence: missense variant.
Genome position (GRCh38, 1-based): chr17:73,199,865, G>A. VCF-style: chr17-73199865-G-A. GRCh37 (hg19) VCF-style: chr17-71196004-G-A.
Other names: short protein forms G305E.
Identifiers: ClinVar variation 1498397 (VCV001498397.5), dbSNP rs375438969, ClinGen allele CA8740104.
Genomic context (GRCh38, chr17:73,199,865, plus strand): 5'-TGTTTCAATATGCACTTCAAAGGGTGGCCTAGATGGCTTCTCACTTGGCCTTCTCTTTAG[G>A]AAAGGGCACTGGTGTCCTGCAGGAAGAGATGAAACTCTGCAGCTGGTTTAAACACCTGCC-3'
Protein context (NP_061184.1, residues 295-315): LETITGQHPA[Gly305Glu]KGTGVLQEEM

ClinVar aggregate classification (germline): Uncertain significance (1 of 4 stars; one submission).

Conditions:
COG1 congenital disorder of glycosylation (CDG2G). Also called: CONGENITAL DISORDER OF GLYCOSYLATION, TYPE IIg; CDG IIg; CDGII/COG1 CEREBROCOSTOMANDIBULAR-LIKE SYNDROME. Identifiers: Orphanet 263508, MedGen C2931011, MONDO:0012637, OMIM 611209.

Allele frequency attached by ClinVar (database versions not stated): gnomAD exomes below 0.00001 and 0.00001; ExAC 0.00001; gnomAD 0.00004 and 0.00005; TOPMed 0.00005; ESP Exome Variant Server 0.00008.
gnomAD v4.1: 11 of 1,614,028 alleles (0.00068%); highest among the groups gnomAD compares: African/African-American, 0.013%; no homozygotes.

Submission:

Labcorp Genetics (formerly Invitae), Labcorp
Classification: Uncertain significance for COG1 congenital disorder of glycosylation. Last evaluated: 2023-01-19. Review status: criteria provided, single submitter. Criteria: Invitae Variant Classification Sherloc (09022015). Collection method: clinical testing. Allele origin: germline.
Comment: Algorithms developed to predict the effect of missense changes on protein structure and function output the following: SIFT: "Tolerated"; PolyPhen-2: "Benign"; Align-GVGD: "Class C0". The glutamic acid amino acid residue is found in multiple mammalian species, which suggests that this missense change does not adversely affect protein function. This sequence change replaces glycine, which is neutral and non-polar, with glutamic acid, which is acidic and polar, at codon 305 of the COG1 protein (p.Gly305Glu). This variant is present in population databases (rs375438969, gnomAD 0.008%). This variant has not been reported in the literature in individuals affected with COG1-related conditions. ClinVar contains an entry for this variant (Variation ID: 1498397). Algorithms developed to predict the effect of sequence changes on RNA splicing suggest that this variant may create or strengthen a splice site. In summary, the available evidence is currently insufficient to determine the role of this variant in disease. Therefore, it has been classified as a Variant of Uncertain Significance.